The following is an entry in ClinVar:

NM_001271.4(CHD2):c.503G>C (p.Ser168Thr)

Gene: CHD2 (chromodomain helicase DNA binding protein 2; plus strand). Cytogenetic location: 15q26.1.
Variant type: single nucleotide variant.
Coding change: c.503G>C on transcript NM_001271.4 (MANE Select); coding-DNA position 503, G replaced by C.
Protein change: p.Ser168Thr; replaces serine 168 with threonine.
Molecular consequence: missense variant.
Genome position (GRCh38, 1-based): chr15:92,937,577, G>C. VCF-style: chr15-92937577-G-C. GRCh37 (hg19) VCF-style: chr15-93480807-G-C.
Other names: c.503G>C, p.Ser168Thr (NM_001042572.3); short protein forms S168T.
Identifiers: ClinVar variation 2706600 (VCV002706600.3), dbSNP rs80176513, ClinGen allele CA274866669.

ClinVar aggregate classification (germline): Uncertain significance (1 of 4 stars; one submission).

Conditions:
Developmental and epileptic encephalopathy 94 (DEE94). Also called: CHD2-Related Neurodevelopmental Disorders; Epileptic encephalopathy, childhood-onset. Identifiers: Orphanet 1942, Orphanet 2382, MedGen C3809278, MONDO:0014150, OMIM 615369.

Submission:

Labcorp Genetics (formerly Invitae), Labcorp
Classification: Uncertain significance for Developmental and epileptic encephalopathy 94. Last evaluated: 2024-01-10. Review status: criteria provided, single submitter. Criteria: Invitae Variant Classification Sherloc (09022015). Collection method: clinical testing. Allele origin: germline.
Comment: This sequence change replaces serine, which is neutral and polar, with threonine, which is neutral and polar, at codon 168 of the CHD2 protein (p.Ser168Thr). This variant is not present in population databases (gnomAD no frequency). This variant has not been reported in the literature in individuals affected with CHD2-related conditions. Advanced modeling of protein sequence and biophysical properties (such as structural, functional, and spatial information, amino acid conservation, physicochemical variation, residue mobility, and thermodynamic stability) performed at Invitae indicates that this missense variant is not expected to disrupt CHD2 protein function with a negative predictive value of 95%. In summary, the available evidence is currently insufficient to determine the role of this variant in disease. Therefore, it has been classified as a Variant of Uncertain Significance.